The following is an entry in ClinVar:

ClinVar aggregate classification (germline): Pathogenic. Review status: criteria provided, multiple submitters, no conflicts (2 of 4 stars). 8 submissions from 8 submitters: Pathogenic (8). Last evaluated 2026-07-31.

Conditions:
MMACHC-related disorder. Also called: MMACHC-related condition.
Cobalamin C disease. Also called: Cobalamin-C methylmalonic acidemia and homocystinuria; Methylmalonic acidemia and homocystinuria cblC type; Methylmalonic aciduria and homocystinuria, Vitamin B12-responsive; Vitamin B12 metabolic defect with combined deficiency of methylmalonyl-CoA mutase and homocysteine:methyltetrahydrofolate methyltransferase; methylmalonic aciduria and homocystinuria type cblC; Methylmalonic aciduria with homocystinuria cblC type. Identifiers: Orphanet 26, Orphanet 79282, MedGen C1848561, MONDO:0010184, OMIM 277400.

Submissions (8):

PreventionGenetics, part of Exact Sciences
Classification: Pathogenic for MMACHC-related condition. Last evaluated: 2026-07-31. Review status: criteria provided, single submitter. Criteria: ACMG Guidelines, 2015. Collection method: clinical testing. Allele origin: germline.
Comment: The MMACHC c.547_548delGT variant is predicted to result in a frameshift and premature protein termination (p.Val183Thrfs*5). This variant has been reported in the homozygous and compound heterozygous state in individuals affected with methylmalonic aciduria (Lerner-Ellis et al. 2006. PubMed ID: 16311595; Weisfeld-Adams et al. 2013. PubMed ID: 23954310; Bourque et al. 2020. PubMed ID: 33473346). This variant is reported in 0.00088% of alleles in individuals of European (Non-Finnish) descent in gnomAD. Frameshift variants in MMACHC are expected to be pathogenic. This variant is interpreted as pathogenic.

Labcorp Genetics (formerly Invitae), Labcorp
Classification: Pathogenic for Cobalamin C disease. Last evaluated: 2025-11-04. Review status: criteria provided, single submitter. Criteria: Invitae Variant Classification Sherloc (09022015). Collection method: clinical testing. Allele origin: germline.
Comment: This sequence change creates a premature translational stop signal (p.Val183Thrfs*5) in the MMACHC gene. While this is not anticipated to result in nonsense mediated decay, it is expected to disrupt the last 100 amino acid(s) of the MMACHC protein. This variant is present in population databases (no rsID available, gnomAD 0.0009%). This premature translational stop signal has been observed in individuals with methylmalonic aciduria and homocystinuria (PMID: 16311595, 19370762, 23954310). ClinVar contains an entry for this variant (Variation ID: 95704). This variant disrupts a region of the MMACHC protein in which other variant(s) (p.Trp203*) have been determined to be pathogenic (PMID: 16311595, 23954310, 25772322). This suggests that this is a clinically significant region of the protein, and that variants that disrupt it are likely to be disease-causing. For these reasons, this variant has been classified as Pathogenic.

Natera, Inc.
Classification: Pathogenic for Methylmalonic aciduria and homocystinuria cblC type. Last evaluated: 2025-11-04. Review status: criteria provided, single submitter. Criteria: Natera Variant Classification Schema (03/2026). Collection method: clinical testing. Allele origin: germline.
Comment: The c.547_548delGT variant in MMACHC is a frameshift variant predicted to shift the reading frame beginning at codon 183 and leads to a stop codon 5 codons downstream. This variant is expected to result in nonsense mediated decay, truncation, or a dysfunctional protein product. This variant is rare in the general population with a frequency below the threshold expected for the associated phenotype(s). This variant has been observed in one or more individuals affected with the associated recessive disease, as either homozygous or compound heterozygous with a second variant (PMID: 16311595). Given the available evidence, this variant is classified as Pathogenic.

Fulgent Genetics
Classification: Pathogenic for Cobalamin C disease. Last evaluated: 2024-02-26. Review status: criteria provided, single submitter. Criteria: ACMG Guidelines, 2015. Collection method: clinical testing. Allele origin: germline.

Blueprint Genetics
Classification: Pathogenic for MMACHC-related disorders. Last evaluated: 2023-10-23. Review status: criteria provided, single submitter. Criteria: ACMG Guidelines, 2015. Collection method: clinical testing. Allele origin: germline. Affected: yes. Observed: 2 variant alleles.

Genome-Nilou Lab
Classification: Pathogenic for Cobalamin C disease. Last evaluated: 2023-04-11. Review status: criteria provided, single submitter. Criteria: ACMG Guidelines, 2015. Collection method: clinical testing. Allele origin: germline. Affected: no.

Women's Health and Genetics/Laboratory Corporation of America, LabCorp
Classification: Pathogenic for Methylmalonic acidemia with homocystinuria. Last evaluated: 2018-04-11. Review status: criteria provided, single submitter. Criteria: LabCorp Variant Classification Summary - May 2015. Collection method: clinical testing. Allele origin: germline.
Comment: Variant summary: MMACHC c.547_548delGT (p.Val183ThrfsX5) results in a premature termination codon, predicted to cause a truncation of the encoded protein or absence of the protein due to nonsense mediated decay, which are commonly known mechanisms for disease. Truncations downstream of this position have been classified as pathogenic by our laboratory (e.g. c.609G>A (p.Trp203X), c.615C>G (p.Tyr205X), c.666C>A (p.Tyr222X)). The variant was absent in 120978 control chromosomes. c.547_548delGT has been reported in the literature in multiple individuals affected with Cobalamin C Disease (Methylmalonic Aciduria with Homocystinuria), both as a homozygous and compound heterozygous allele (Lerner-Ellis 2006, Weisfeld-Adams 2013, Lerner-Ellis 2009). These data indicate that the variant is very likely to be associated with disease. One of these studies also reported that patients fibroblasts had decreased cobalamin coenzyme synthesis and decreased signal incorporation from radiolabeled propionate and 5-methyltetrahydrofolate (Lerner-Ellis 2006). No clinical diagnostic laboratories have submitted clinical-significance assessments for this variant to ClinVar after 2014. Based on the evidence outlined above, the variant was classified as pathogenic.

Eurofins Ntd Llc (ga)
Classification: Pathogenic. Last evaluated: 2013-05-02. Review status: criteria provided, single submitter. Criteria: EGL Classification Definitions. Collection method: clinical testing. Allele origin: germline. Observed: 2 variant alleles, 1 heterozygote, 1 homozygote.

Literature cited by the submitters: PubMed 16311595 (cited by 3 submitters); PubMed 19370762 (cited by Labcorp Genetics (formerly Invitae), Labcorp and Women's Health and Genetics/Laboratory Corporation of America, LabCorp); PubMed 23954310 (cited by Labcorp Genetics (formerly Invitae), Labcorp and Women's Health and Genetics/Laboratory Corporation of America, LabCorp); PubMed 25772322 (cited by Labcorp Genetics (formerly Invitae), Labcorp); PubMed 18848477 (cited by Women's Health and Genetics/Laboratory Corporation of America, LabCorp).

NM_015506.3(MMACHC):c.547_548del (p.Val183fs)

Gene: MMACHC (metabolism of cobalamin associated C; plus strand). Cytogenetic location: 1p34.1.
Variant type: Microsatellite.
Coding change: c.547_548del on transcript NM_015506.3 (MANE Select); coding-DNA positions 547 to 548, 2 bases deleted (GT; older notation c.547_548delGT).
Protein change: p.Val183fs; shifts the reading frame from valine 183.
Molecular consequence: frameshift variant.
Genome position (GRCh38, 1-based): chr1:45,508,913-45,508,914, GT deleted; deleting any 2 consecutive bases within chr1:45,508,910-45,508,914 gives the same sequence; the c. name uses the placement nearest the transcript's 3' end. VCF-style (leftmost placement, unchanged base first): chr1-45508909-CTG-C. GRCh37 (hg19) VCF-style: chr1-45974581-CTG-C.
Other names: c.547_548del (NM_015506.2); c.547_548delGT (NM_015506.3); c.376_377del, p.Val126fs (NM_001330540.2); short protein forms V126fs, V183fs.
Identifiers: ClinVar variation 95704 (VCV000095704.25), dbSNP rs1305170860, ClinGen allele CA223192.